The following is an entry in ClinVar:

NM_000747.3(CHRNB1):c.757_820+135del

Gene: CHRNB1 (cholinergic receptor nicotinic beta 1 subunit; plus strand). Cytogenetic location: 17p13.1.
Variant type: Deletion.
Coding change: c.757_820+135del on transcript NM_000747.3 (MANE Select); coding-DNA position 757 through 135 bases into the intron after coding-DNA position 820, 199 bases deleted.
Molecular consequence: splice donor variant.
Genome position (GRCh38, 1-based): chr17:7,448,725-7,448,923, 199 bases deleted. GRCh37 (hg19): chr17:7,352,044-7,352,242.
Identifiers: ClinVar variation 2701345 (VCV002701345.3), dbSNP rs2507858850, ClinGen allele CA2697559369.

ClinVar aggregate classification (germline): Likely pathogenic (1 of 4 stars; one submission).

Conditions:
Congenital myasthenic syndrome 2A. Also called: Myasthenic syndrome, congenital, 2a, slow-channel. Identifiers: Orphanet 590, MedGen C4225374, MONDO:0014581, OMIM 616313.

Submission:

Labcorp Genetics (formerly Invitae), Labcorp
Classification: Likely pathogenic for Congenital myasthenic syndrome 2A. Last evaluated: 2023-12-07. Review status: criteria provided, single submitter. Criteria: Invitae Variant Classification Sherloc (09022015). Collection method: clinical testing. Allele origin: germline.
Comment: This variant results in the deletion of part of exon 7 (c.757_820+135del) of the CHRNB1 gene. It is expected to disrupt RNA splicing. Variants that disrupt the donor or acceptor splice site typically lead to a loss of protein function (PMID: 16199547), and loss-of-function variants in CHRNB1 are known to be pathogenic (PMID: 10562302). This variant is not present in population databases (gnomAD no frequency). This variant has not been reported in the literature in individuals affected with CHRNB1-related conditions. In summary, the currently available evidence indicates that the variant is pathogenic, but additional data are needed to prove that conclusively. Therefore, this variant has been classified as Likely Pathogenic.

Literature cited by the submitters: PubMed 16199547; PubMed 10562302.